The following is an entry in ClinVar:

NM_001110556.2(FLNA):c.7306G>A (p.Gly2436Arg)

Gene: FLNA (filamin A; minus strand). Cytogenetic location: Xq28.
Variant type: single nucleotide variant.
Coding change: c.7306G>A on transcript NM_001110556.2 (MANE Select); coding-DNA position 7306, G replaced by A.
Protein change: p.Gly2436Arg; replaces glycine 2436 with arginine.
Molecular consequence: missense variant.
Genome position (GRCh38, 1-based): chrX:154,350,058, C>T on the plus strand (G>A on the coding strand, the complement: FLNA is on the minus strand). VCF-style: chrX-154350058-C-T. GRCh37 (hg19) VCF-style: chrX-153578426-C-T.
Other names: c.7282G>A, p.Gly2428Arg (NM_001456.4); c.7306G>A (NM_001110556.1); short protein forms G2428R, G2436R.
Identifiers: ClinVar variation 2431207 (VCV002431207.4), dbSNP rs2522714778, ClinGen allele CA415183722.

ClinVar aggregate classification (germline): Likely pathogenic. Review status: criteria provided, single submitter (1 of 4 stars). 2 submissions from 2 submitters: Likely pathogenic (1). 1 of the submissions does not count toward it. Last evaluated 2022-01-01.

Conditions:
Cardiac valvular dysplasia, X-linked (CVDPX). Also called: MYXOMATOUS VALVULAR DYSTROPHY, X-LINKED; Isolated X-Linked Cardiac Valvular Dysplasia; FLNA-Related X-linked Cardiac Valvular Dysplasia; Congenital valvular dysplasia; VALVULAR HEART DISEASE, CONGENITAL. Identifiers: Orphanet 1864, Orphanet 555877, Orphanet 75497, MedGen C0262436, MONDO:0010753, OMIM 314400.
FLNA-related disorder.

Allele frequency attached by ClinVar (database versions not stated): gnomAD exomes below 0.00001.
gnomAD v4.1: 1 of 1,211,905 alleles (0.000083%); highest among the groups gnomAD compares: Non-Finnish European, 0.00011%; no homozygotes.

Submissions (2):

Department of Maternal-Fetal Biology, National Research Institute for Child Health and Development
Classification: Likely pathogenic for Cardiac valvular dysplasia, X-linked. Last evaluated: 2022-01-01. Review status: criteria provided, single submitter. Criteria: ACMG Guidelines, 2015. Collection method: research. Allele origin: maternal. Affected: yes. Observed: 1 variant allele.

PreventionGenetics, part of Exact Sciences
Classification: Uncertain significance for FLNA-related condition. Last evaluated: 2024-08-29. Review status: no assertion criteria provided. Collection method: clinical testing. Allele origin: germline. Not counted in ClinVar's aggregate classification.
Comment: The FLNA c.7306G>A variant is predicted to result in the amino acid substitution p.Gly2436Arg. To our knowledge, this variant has not been reported in peer-reviewed literature; however, it was reported in a poster abstract in the hemizygous state in two siblings with features of CAKUT (P-198, ISPD 26th International Conference on Prenatal Diagnosis and Therapy (2022)). This variant has not been reported in a large population database, indicating this variant is rare. Although we suspect this variant could be pathogenic, at this time, the clinical significance of this variant is uncertain due to the absence of conclusive functional and genetic evidence.